The following is an entry in ClinVar:

ClinVar aggregate classification (germline): Conflicting classifications of pathogenicity. Review status: criteria provided, conflicting classifications (1 of 4 stars). 3 submissions from 3 submitters: Uncertain significance (2); Likely benign (1). Last evaluated 2024-06-10.

Conditions:
Hereditary cancer-predisposing syndrome. Also called: Tumor predisposition; Neoplastic Syndromes, Hereditary; Hereditary neoplastic syndrome; Hereditary Cancer Syndrome. Identifiers: Orphanet 140162, MedGen C0027672, MeSH D009386, MONDO:0015356.
Ataxia-telangiectasia syndrome (AT). Also called: Ataxia-telangiectasia, complementation group D; AT, COMPLEMENTATION GROUP C; ATAXIA-TELANGIECTASIA, COMPLEMENTATION GROUP A; ATAXIA-TELANGIECTASIA, FRESNO VARIANT; Ataxia-telangiectasia; LOUIS-BAR SYNDROME. Identifiers: Orphanet 100, MedGen C0004135, MONDO:0008840, OMIM 208900.

Submissions (3):

Ambry Genetics
Classification: Likely benign for Hereditary cancer-predisposing syndrome. Last evaluated: 2024-06-10. Review status: criteria provided, single submitter. Criteria: Ambry Variant Classification Scheme 2023. Collection method: clinical testing. Allele origin: germline.

Labcorp Genetics (formerly Invitae), Labcorp
Classification: Uncertain significance for Ataxia-telangiectasia syndrome. Last evaluated: 2022-08-16. Review status: criteria provided, single submitter. Criteria: Invitae Variant Classification Sherloc (09022015). Collection method: clinical testing. Allele origin: germline.
Comment: This sequence change falls in intron 20 of the ATM gene. It does not directly change the encoded amino acid sequence of the ATM protein. It affects a nucleotide within the consensus splice site. This variant is not present in population databases (gnomAD no frequency). This variant has not been reported in the literature in individuals affected with ATM-related conditions. ClinVar contains an entry for this variant (Variation ID: 880508). Variants that disrupt the consensus splice site are a relatively common cause of aberrant splicing (PMID: 17576681, 9536098). Algorithms developed to predict the effect of sequence changes on RNA splicing suggest that this variant may disrupt the consensus splice site. In summary, the available evidence is currently insufficient to determine the role of this variant in disease. Therefore, it has been classified as a Variant of Uncertain Significance.

Illumina Laboratory Services, Illumina
Classification: Uncertain significance for Ataxia-telangiectasia syndrome. Last evaluated: 2018-01-13. Review status: criteria provided, single submitter. Criteria: ICSL Variant Classification Criteria 13 December 2019. Collection method: clinical testing. Allele origin: germline.

Literature cited by the submitters: PubMed 17576681 (cited by Labcorp Genetics (formerly Invitae), Labcorp); PubMed 9536098 (cited by Labcorp Genetics (formerly Invitae), Labcorp).

NM_000051.4(ATM):c.3077+4G>T

Gene: ATM (ATM serine/threonine kinase; plus strand). Cytogenetic location: 11q22.3.
Variant type: single nucleotide variant.
Coding change: c.3077+4G>T on transcript NM_000051.4 (MANE Select); 4 bases into the intron after coding-DNA position 3077, G replaced by T.
Molecular consequence: intron variant.
Genome position (GRCh38, 1-based): chr11:108,271,410, G>T. VCF-style: chr11-108271410-G-T. GRCh37 (hg19) VCF-style: chr11-108142137-G-T.
Other names: c.3077+4G>T (NM_001351834.2).
Identifiers: ClinVar variation 880508 (VCV000880508.12), dbSNP rs201222237, ClinGen allele CA1139662218.
Genomic context (GRCh38, chr11:108,271,410, plus strand): 5'-CTCTGAGAACACAAGGGATGCTCAAGGACAGTTTCTTACAGTAATTGGAGCATTTTGGTA[G>T]GTACAGTCTATTTTGTGGTCCTATTTTTCTTTTGCTATCTGTGGATACGAATGCAAGTTT-3'